The following is an entry in ClinVar:

ClinVar aggregate classification (germline): Uncertain significance (1 of 4 stars; one submission).

Conditions:
Duchenne muscular dystrophy (DMD). Also called: Duchenne Muscular Dystrophy (DMD); MUSCULAR DYSTROPHY, PSEUDOHYPERTROPHIC PROGRESSIVE, DUCHENNE TYPE. Identifiers: Orphanet 98896, MedGen C0013264, MONDO:0010679, OMIM 310200.

Allele frequency attached by ClinVar (database versions not stated): gnomAD 0.00001.
gnomAD v4.1: 3 of 1,185,969 alleles (0.00025%); highest among the groups gnomAD compares: Non-Finnish European, 0.00034%; no homozygotes.

Submission:

Labcorp Genetics (formerly Invitae), Labcorp
Classification: Uncertain significance for Duchenne muscular dystrophy. Last evaluated: 2021-08-28. Review status: criteria provided, single submitter. Criteria: Invitae Variant Classification Sherloc (09022015). Collection method: clinical testing. Allele origin: germline.
Comment: This sequence change replaces valine with methionine at codon 495 of the DMD protein (p.Val495Met). The valine residue is moderately conserved and there is a small physicochemical difference between valine and methionine. This variant is present in population databases (rs754176290, ExAC 0.002%). This variant has not been reported in the literature in individuals affected with DMD-related conditions. Algorithms developed to predict the effect of missense changes on protein structure and function are either unavailable or do not agree on the potential impact of this missense change (SIFT: "Tolerated"; PolyPhen-2: "Probably Damaging"; Align-GVGD: "Class C0"). In summary, the available evidence is currently insufficient to determine the role of this variant in disease. Therefore, it has been classified as a Variant of Uncertain Significance.

NM_004006.3(DMD):c.1483G>A (p.Val495Met)

Gene: DMD (dystrophin; minus strand). Cytogenetic location: Xp21.1.
Variant type: single nucleotide variant.
Coding change: c.1483G>A on transcript NM_004006.3 (MANE Select); coding-DNA position 1483, G replaced by A.
Protein change: p.Val495Met; replaces valine 495 with methionine.
Molecular consequence: missense variant.
Genome position (GRCh38, 1-based): chrX:32,595,876, C>T on the plus strand (G>A on the coding strand, the complement: DMD is on the minus strand). VCF-style: chrX-32595876-C-T. GRCh37 (hg19) VCF-style: chrX-32613993-C-T.
Other names: c.1459G>A, p.Val487Met (NM_000109.4); c.1471G>A, p.Val491Met (NM_004009.3); c.1114G>A, p.Val372Met (NM_004010.3); short protein forms V491M, V372M, V487M, V495M.
Identifiers: ClinVar variation 1476712 (VCV001476712.3), dbSNP rs754176290, ClinGen allele CA10379834.
Genomic context (GRCh38, chrX:32,595,876, plus strand): 5'-CCACCATGTGAGTGAGAGAATTGACCCTGACTTGTTCTTGTTCTAGATCTTCTTGAAGCA[C>T]CTGAAAGATAAAATGTTTTAAAGGAAATTAAAATGATATTCTTACATGTGTGTTGAAATG-3'
Protein context (NP_003997.2, residues 485-505): DLKRQVQQHK[Val495Met]LQEDLEQEQV